The following is an entry in ClinVar:

ClinVar aggregate classification (germline): Uncertain significance (1 of 4 stars; one submission).

Submission:

Labcorp Genetics (formerly Invitae), Labcorp
Classification: Uncertain significance. Last evaluated: 2023-05-22. Review status: criteria provided, single submitter. Criteria: Invitae Variant Classification Sherloc (09022015). Collection method: clinical testing. Allele origin: germline.
Comment: This sequence change falls in intron 19 of the EMC1 gene. It does not directly change the encoded amino acid sequence of the EMC1 protein. This variant is not present in population databases (gnomAD no frequency). This variant has not been reported in the literature in individuals affected with EMC1-related conditions. Algorithms developed to predict the effect of sequence changes on RNA splicing suggest that this variant may create or strengthen a splice site. In summary, the available evidence is currently insufficient to determine the role of this variant in disease. Therefore, it has been classified as a Variant of Uncertain Significance.

NM_015047.3(EMC1):c.2376+13T>C

Genes: EMC1 (ER membrane protein complex subunit 1; minus strand), EMC1-AS1 (EMC1 antisense RNA 1; plus strand). Cytogenetic location: 1p36.13.
Variant type: single nucleotide variant.
Coding change: c.2376+13T>C on transcript NM_015047.3 (MANE Select); 13 bases into the intron after coding-DNA position 2376, T replaced by C.
Molecular consequence: intron variant.
Genome position (GRCh38, 1-based): chr1:19,223,383, A>G on the plus strand (T>C on the coding strand, the complement: EMC1 is on the minus strand). VCF-style: chr1-19223383-A-G. GRCh37 (hg19) VCF-style: chr1-19549877-A-G.
Other names: c.2310+13T>C (NM_001271429.2); c.2373+13T>C (NM_001271427.2, NM_001271428.2); c.2382+13T>C (NM_001375821.1); c.2385+13T>C (NM_001375820.1).
Identifiers: ClinVar variation 2867076 (VCV002867076.3), dbSNP rs1275412286, ClinGen allele CA2739272342.